The following is an entry in ClinVar:

ClinVar aggregate classification (germline): Uncertain significance (1 of 4 stars; one submission).

Conditions:
Long QT syndrome (LQTS). Identifiers: MedGen C0023976, MeSH D008133, MONDO:0002442. Disease mechanism: loss of function. Inheritance: Various modes of inheritance.

Submission:

Labcorp Genetics (formerly Invitae), Labcorp
Classification: Uncertain significance for Long QT syndrome. Last evaluated: 2024-02-23. Review status: criteria provided, single submitter. Criteria: Invitae Variant Classification Sherloc (09022015). Collection method: clinical testing. Allele origin: germline.
Comment: This sequence change replaces serine, which is neutral and polar, with threonine, which is neutral and polar, at codon 402 of the KCNQ1 protein (p.Ser402Thr). This variant is not present in population databases (gnomAD no frequency). This variant has not been reported in the literature in individuals affected with KCNQ1-related conditions. Advanced modeling of protein sequence and biophysical properties (such as structural, functional, and spatial information, amino acid conservation, physicochemical variation, residue mobility, and thermodynamic stability) performed at Invitae indicates that this missense variant is not expected to disrupt KCNQ1 protein function with a negative predictive value of 80%. In summary, the available evidence is currently insufficient to determine the role of this variant in disease. Therefore, it has been classified as a Variant of Uncertain Significance.

NM_000218.3(KCNQ1):c.1205G>C (p.Ser402Thr)

Gene: KCNQ1 (potassium voltage-gated channel subfamily Q member 1; plus strand). Cytogenetic location: 11p15.5.
Variant type: single nucleotide variant.
Coding change: c.1205G>C on transcript NM_000218.3 (MANE Select); coding-DNA position 1205, G replaced by C.
Protein change: p.Ser402Thr; replaces serine 402 with threonine.
Molecular consequence: missense variant.
Genome position (GRCh38, 1-based): chr11:2,587,646, G>C. VCF-style: chr11-2587646-G-C. GRCh37 (hg19) VCF-style: chr11-2608876-G-C.
Other names: c.1109G>C, p.Ser370Thr (NM_001406836.1); c.935G>C, p.Ser312Thr (NM_001406837.1); c.665G>C, p.Ser222Thr (NM_001406838.1); c.824G>C, p.Ser275Thr (NM_181798.2); short protein forms S222T, S275T, S312T, S370T, S402T.
Identifiers: ClinVar variation 3623834 (VCV003623834.2).
Genomic context (GRCh38, chr11:2,587,646, plus strand): 5'-ATGCTGCCGAGAACCCCGACTCCTCCACCTGGAAGATCTACATCCGGAAGGCCCCCCGGA[G>C]CCACACTCTGCTGTCACCCAGCCCCAAACCCAAGAAGTCTGTGGTGGTGAGTAGCCCACC-3'
Protein context (NP_000209.2, residues 392-412): WKIYIRKAPR[Ser402Thr]HTLLSPSPKP